The following is an entry in ClinVar:

NM_000153.4(GALC):c.275G>A (p.Gly92Asp)

Gene: GALC (galactosylceramidase; minus strand). Cytogenetic location: 14q31.3.
Variant type: single nucleotide variant.
Coding change: c.275G>A on transcript NM_000153.4 (MANE Select); coding-DNA position 275, G replaced by A.
Protein change: p.Gly92Asp; replaces glycine 92 with aspartic acid.
Molecular consequence: missense variant. On other transcripts: 5 prime UTR variant (4), non-coding transcript variant (1).
Genome position (GRCh38, 1-based): chr14:87,988,197, C>T on the plus strand (G>A on the coding strand, the complement: GALC is on the minus strand). VCF-style: chr14-87988197-C-T. GRCh37 (hg19) VCF-style: chr14-88454541-C-T.
Other names: p.Gly92Asp; c.206G>A, p.Gly69Asp (NM_001201401.2); c.197G>A, p.Gly66Asp (NM_001201402.2); c.107G>A, p.Gly36Asp (NM_001424071.1, NM_001424072.1, NM_001424073.1); c.-74G>A (NM_001424074.1); c.-162G>A (NM_001424075.1); c.-393G>A (NM_001424076.1, NM_001424077.1); short protein forms G36D, G66D, G69D, G92D.
Identifiers: ClinVar variation 4068223 (VCV004068223.2).

ClinVar aggregate classification (germline): Uncertain significance. Review status: criteria provided, single submitter (1 of 4 stars). 2 submissions from 2 submitters: Uncertain significance (1). 1 of the submissions does not count toward it. Last evaluated 2026-09-25.

Conditions:
Galactosylceramide beta-galactosidase deficiency. Also called: GALACTOCEREBROSIDASE DEFICIENCY; GALC DEFICIENCY; GLOBOID CELL LEUKOENCEPHALOPATHY; Leukodystrophy, Globoid Cell; Krabbe Disease. Identifiers: Orphanet 487, MedGen C0023521, MONDO:0009499, OMIM 245200.

gnomAD v4.1: 2 of 1,613,596 alleles (0.00012%); highest among the groups gnomAD compares: South Asian, 0.0022%; no homozygotes.

Submissions (2):

Foundation for Research in Genetics and Endocrinology, FRIGE's Institute of Human Genetics
Classification: Uncertain significance for Galactosylceramide beta-galactosidase deficiency. Last evaluated: 2026-09-25. Review status: criteria provided, single submitter. Criteria: ACMG Guidelines, 2015. Collection method: clinical testing. Allele origin: germline. Inheritance: Autosomal recessive inheritance. Affected: yes. Observed: 1 variant allele, 1 homozygote.
Comment: A homozygous missense variant in exon 3 of the GALC gene that results in the amino acid substitution of Aspartic acid for Glycine at codon 92 was detected. The observed variant c.275G>A (p.Gly92Asp) has not been reported in the 1000 genomes and has a minor allele frequency of 0.0004% in the gnomAD databases. The in-silico prediction of the variant is deleterious by MutationTaster2, SIFT, DANN and FATHMM. In summary, the variant meets our criteria to be classified as a variant of uncertain significance.

Natera, Inc.
Classification: Uncertain significance for Galactosylceramide beta-galactosidase deficiency. Last evaluated: 2025-01-25. Review status: no assertion criteria provided. Collection method: clinical testing. Allele origin: germline. Not counted in ClinVar's aggregate classification.